The following is an entry in ClinVar:

NM_052963.3(TOP1MT):c.19C>G (p.Leu7Val)

Gene: TOP1MT (DNA topoisomerase I mitochondrial; minus strand). Cytogenetic location: 8q24.3.
Variant type: single nucleotide variant.
Coding change: c.19C>G on transcript NM_052963.3 (MANE Select); coding-DNA position 19, C replaced by G.
Protein change: p.Leu7Val; replaces leucine 7 with valine.
Molecular consequence: missense variant. On other transcripts: intron variant (2).
Genome position (GRCh38, 1-based): chr8:143,334,843, G>C on the plus strand (C>G on the coding strand, the complement: TOP1MT is on the minus strand). VCF-style: chr8-143334843-G-C. GRCh37 (hg19) VCF-style: chr8-144417013-G-C.
Other names: c.-172-3504C>G (NM_001258447.1, NM_001258446.1); short protein forms L7V.
Identifiers: ClinVar variation 1951462 (VCV001951462.5), dbSNP rs759802113, ClinGen allele CA4909068.

ClinVar aggregate classification (germline): Uncertain significance (1 of 4 stars; one submission).

Allele frequency attached by ClinVar (database versions not stated): gnomAD exomes 0.00003; ExAC 0.00010.
gnomAD v4.1: 35 of 1,500,308 alleles (0.0023%); highest among the groups gnomAD compares: South Asian, 0.041%; no homozygotes.

Submission:

Labcorp Genetics (formerly Invitae), Labcorp
Classification: Uncertain significance. Last evaluated: 2024-10-30. Review status: criteria provided, single submitter. Criteria: Invitae Variant Classification Sherloc (09022015). Collection method: clinical testing. Allele origin: germline.
Comment: This sequence change replaces leucine, which is neutral and non-polar, with valine, which is neutral and non-polar, at codon 7 of the TOP1MT protein (p.Leu7Val). This variant is present in population databases (rs759802113, gnomAD 0.03%). This variant has not been reported in the literature in individuals affected with TOP1MT-related conditions. ClinVar contains an entry for this variant (Variation ID: 1951462). Experimental studies and prediction algorithms are not available or were not evaluated, and the functional significance of this variant is currently unknown. In summary, the available evidence is currently insufficient to determine the role of this variant in disease. Therefore, it has been classified as a Variant of Uncertain Significance.